The following is an entry in ClinVar:

NM_133379.5(TTN):c.11168C>T (p.Thr3723Met)

Gene: TTN (titin; minus strand). Cytogenetic location: 2q31.2.
Variant type: single nucleotide variant.
Coding change: c.11168C>T on transcript NM_133379.5; coding-DNA position 11168, C replaced by T.
Protein change: p.Thr3723Met; replaces threonine 3723 with methionine.
Molecular consequence: missense variant. On other transcripts: intron variant (6).
Genome position (GRCh38, 1-based): chr2:178,751,232, G>A on the plus strand (C>T on the coding strand, the complement: TTN is on the minus strand). VCF-style: chr2-178751232-G-A. GRCh37 (hg19) VCF-style: chr2-179615959-G-A.
Other names: c.10222+1892C>T (NM_003319.4); c.10798+1892C>T (NM_133437.4); c.10597+1892C>T (NM_133432.3); c.10360+1892C>T (NM_133378.4, NM_001256850.1); c.11311+1892C>T (NM_001267550.2); c.11168C>T (NM_133379.4); short protein forms T3723M.
Identifiers: ClinVar variation 47734 (VCV000047734.7), dbSNP rs397517803, ClinGen allele CA141798.
Genomic context (GRCh38, chr2:178,751,232, plus strand): 5'-AACAGAATATCTTTATCACTAGCTTCACTTCTCAAAGTTCTTGAGCTTATTTCAGAAGAC[G>A]TATCTAAAAGAGATAATTTCTTTTTCTCCATTAATGTTTTTCTAGCCTCCCTTAAACGTT-3'

ClinVar aggregate classification (germline): Conflicting classifications of pathogenicity. Review status: criteria provided, conflicting classifications (1 of 4 stars). 3 submissions from 3 submitters: Uncertain significance (1); Likely benign (2). Last evaluated 2026-03-27.

Allele frequency attached by ClinVar (database versions not stated): gnomAD 0.00001; gnomAD exomes 0.00001 and 0.00002; TOPMed 0.00001; ExAC 0.00002; 1000 Genomes Project 0.00020; 1000 Genomes Project 30x 0.00031.
gnomAD v4.1: 17 of 1,606,960 alleles (0.0011%); highest among the groups gnomAD compares: Middle Eastern, 0.017%; no homozygotes.

Submissions (3):

Molecular Diagnostic Laboratory for Inherited Cardiovascular Disease, Montreal Heart Institute
Classification: Likely benign. Last evaluated: 2026-03-27. Review status: criteria provided, single submitter. Criteria: ACMG Guidelines, 2015. Collection method: clinical testing. Allele origin: germline. Affected: no.
Comment: BP1

Blueprint Genetics
Classification: Likely benign. Last evaluated: 2024-09-05. Review status: criteria provided, single submitter. Criteria: ACMG Guidelines, 2015. Collection method: clinical testing. Allele origin: germline.

Laboratory for Molecular Medicine, Mass General Brigham Personalized Medicine
Classification: Uncertain significance. Last evaluated: 2012-10-05. Review status: criteria provided, single submitter. Criteria: LMM Criteria. Collection method: clinical testing. Allele origin: germline. Observed: 2 variant alleles.
Comment: Variant classified as Uncertain Significance - Favor Benign. The Thr3723Met vari ant in TTN has not been reported in the literature. Computational analyses (cons ervation, AlignGVGD, PolyPhen2, and SIFT) are limited/unavailable for this varia nt. Family studie s suggest that the TTN variants may be less likely disease causing but additiona l information is needed to establish its role with confidence.